The following is an entry in ClinVar:

ClinVar aggregate classification (germline): Likely pathogenic (1 of 4 stars; one submission).

Submission:

Quest Diagnostics Nichols Institute San Juan Capistrano
Classification: Likely pathogenic. Last evaluated: 2021-06-19. Review status: criteria provided, single submitter. Criteria: ACMG/ClinGen CNV Guidelines, 2019. Collection method: clinical testing. Allele origin: unknown.
Comment: The deletion of 22q11.22q11.23 (LCR22 E-F) overlaps 22q11.2 distal deletion syndrome, type II region (OMIM 611867). The clinical features may include dysmorphic features, developmental delay, intellectual disability, learning difficulties, and cardiovascular defects. There are a limited number of similar reported cases and a conclusive phenotype is difficult to determine. Inheritance has been de novo in some cases and familial or unknown in others (Burnside RD, Cytogenet Genome Res. 2015;146(2):89-99. PMID: 26278718; Mikhail FM, et al., Genet Med. 2014 Jan;16(1):92-100. PMID: 23765049). Reduced penetrance and variable expressivity has been observed. Thus, this copy number loss is interpreted as likely pathogenic.

GRCh37/hg19 22q11.22-11.23(chr22:22997929-23650871)x1

Genes: BCR (BCR activator of RhoGEF and GTPase; plus strand), GNAZ (G protein subunit alpha z; plus strand), IGLC1 (immunoglobulin lambda constant 1; plus strand), IGLL5 (immunoglobulin lambda like polypeptide 5; plus strand), RAB36 (RAB36, member RAS oncogene family; plus strand) and 1 more. Cytogenetic location: 22q11.22-11.23.
Variant type: copy number loss.
Change: copy number 1 (one copy instead of two) of chr22:22,997,929-23,650,871 (652.9 kb, GRCh37 coordinates, 1-based), cytogenetic band 22q11.22-11.23.
Identifiers: ClinVar variation 1807704 (VCV001807704.1).